The following is an entry in ClinVar:

NM_000321.3(RB1):c.1498A>C (p.Arg500=)

Gene: RB1 (RB transcriptional corepressor 1; plus strand). Cytogenetic location: 13q14.2.
Variant type: single nucleotide variant.
Coding change: c.1498A>C on transcript NM_000321.3 (MANE Select); coding-DNA position 1498, A replaced by C.
Protein change: p.Arg500=; no amino-acid change (arginine 500 retained).
Molecular consequence: synonymous variant.
Genome position (GRCh38, 1-based): chr13:48,380,241, A>C. VCF-style: chr13-48380241-A-C. GRCh37 (hg19) VCF-style: chr13-48954377-A-C.
Identifiers: ClinVar variation 819383 (VCV000819383.8), dbSNP rs1593456364, ClinGen allele CA483559325.

ClinVar aggregate classification (germline): Uncertain significance. Review status: criteria provided, multiple submitters, no conflicts (2 of 4 stars). 2 submissions from 2 submitters: Uncertain significance (2). Last evaluated 2025-03-28.

Conditions:
Hereditary cancer-predisposing syndrome. Also called: Tumor predisposition; Hereditary neoplastic syndrome; Neoplastic Syndromes, Hereditary; Hereditary Cancer Syndrome. Identifiers: Orphanet 140162, MedGen C0027672, MeSH D009386, MONDO:0015356.
Retinoblastoma (RB1). Also called: RETINOBLASTOMA, SOMATIC. Identifiers: Orphanet 790, MedGen C0035335, MeSH D012175, MONDO:0008380, OMIM 180200, HP:0009919. Disease mechanism: loss of function. Inheritance: Both sporadic and heritable forms are tested..

Allele frequency attached by ClinVar (database versions not stated): gnomAD exomes below 0.00001.
gnomAD v4.1: 1 of 1,586,598 alleles (0.000063%); highest among the groups gnomAD compares: Non-Finnish European, 0.000086%; no homozygotes.

Submissions (2):

Ambry Genetics
Classification: Uncertain significance for Hereditary cancer-predisposing syndrome. Last evaluated: 2025-03-28. Review status: criteria provided, single submitter. Criteria: Ambry Variant Classification Scheme 2023. Collection method: clinical testing. Allele origin: germline.
Comment: The c.1498A>C variant (also known as p.R500R), located in coding exon 16 of the RB1 gene, results from an A to C substitution at nucleotide position 1498. This nucleotide substitution does not change the at codon 500. However, this change occurs in the last base pair of coding exon 16, which makes it likely to have some effect on normal mRNA splicing. This nucleotide position is well conserved in available vertebrate species. In silico splice site analysis predicts that this alteration will not have any significant effect on splicing. This variant was reported to be identified in a patient with bilateral retinoblastoma and demonstrated an RNA impact in the literature; however, direct evidence is insufficient at this time (Ambry internal data; Dundar et al. Proc. Natl. Sci. Counc. Repub. China B 2001 Jul;25(3):166-73.). Based on the available evidence, the clinical significance of this variant remains unclear.

Labcorp Genetics (formerly Invitae), Labcorp
Classification: Uncertain significance for Retinoblastoma. Last evaluated: 2024-01-18. Review status: criteria provided, single submitter. Criteria: Invitae Variant Classification Sherloc (09022015). Collection method: clinical testing. Allele origin: germline.
Comment: This sequence change affects codon 500 of the RB1 mRNA. It is a 'silent' change, meaning that it does not change the encoded amino acid sequence of the RB1 protein. It affects a nucleotide within the consensus splice site. This variant is not present in population databases (gnomAD no frequency). This variant has been observed in individual(s) with retinoblastoma (PMID: 11480772). This variant is also known as R507R (1636A>C). ClinVar contains an entry for this variant (Variation ID: 819383). Studies have shown that this variant is associated with inconclusive levels of altered splicing (PMID: 11480772; Invitae). In summary, the available evidence is currently insufficient to determine the role of this variant in disease. Therefore, it has been classified as a Variant of Uncertain Significance.

Literature cited by the submitters: PubMed 11480772 (cited by Labcorp Genetics (formerly Invitae), Labcorp).